The following is an entry in ClinVar:

NM_198859.4(PRICKLE2):c.2008C>T (p.Arg670Trp)

Genes: PRICKLE2 (prickle planar cell polarity protein 2; minus strand), PRICKLE2-AS1 (PRICKLE2 antisense RNA 1; plus strand). Cytogenetic location: 3p14.1.
Variant type: single nucleotide variant.
Coding change: c.2008C>T on transcript NM_198859.4 (MANE Select); coding-DNA position 2008, C replaced by T.
Protein change: p.Arg670Trp; replaces arginine 670 with tryptophan.
Molecular consequence: missense variant. On other transcripts: non-coding transcript variant (1).
Genome position (GRCh38, 1-based): chr3:64,099,578, G>A on the plus strand (C>T on the coding strand, the complement: PRICKLE2 is on the minus strand). VCF-style: chr3-64099578-G-A. GRCh37 (hg19) VCF-style: chr3-64085254-G-A.
Other names: c.2008C>T, p.Arg670Trp (NM_001370528.1); short protein forms R670W.
Identifiers: ClinVar variation 3687271 (VCV003687271.2).

ClinVar aggregate classification (germline): Uncertain significance (1 of 4 stars; one submission).

Conditions:
Progressive myoclonic epilepsy type 5. Identifiers: Orphanet 402082, MedGen C5190799.

Submission:

Labcorp Genetics (formerly Invitae), Labcorp
Classification: Uncertain significance for Progressive myoclonic epilepsy type 5. Last evaluated: 2024-01-25. Review status: criteria provided, single submitter. Criteria: Invitae Variant Classification Sherloc (09022015). Collection method: clinical testing. Allele origin: germline.
Comment: This sequence change replaces arginine, which is basic and polar, with tryptophan, which is neutral and slightly polar, at codon 670 of the PRICKLE2 protein (p.Arg670Trp). This variant is not present in population databases (gnomAD no frequency). This variant has not been reported in the literature in individuals affected with PRICKLE2-related conditions. Advanced modeling of protein sequence and biophysical properties (such as structural, functional, and spatial information, amino acid conservation, physicochemical variation, residue mobility, and thermodynamic stability) performed at Invitae indicates that this missense variant is not expected to disrupt PRICKLE2 protein function with a negative predictive value of 80%. In summary, the available evidence is currently insufficient to determine the role of this variant in disease. Therefore, it has been classified as a Variant of Uncertain Significance.